The following is an entry in ClinVar:

NM_012144.4(DNAI1):c.566del (p.Thr189fs)

Gene: DNAI1 (dynein axonemal intermediate chain 1; plus strand). Cytogenetic location: 9p13.3.
Variant type: Deletion.
Coding change: c.566del on transcript NM_012144.4 (MANE Select); coding-DNA position 566, one base deleted (C; older notation c.566delC).
Protein change: p.Thr189fs; shifts the reading frame from threonine 189.
Molecular consequence: frameshift variant.
Genome position (GRCh38, 1-based): chr9:34,490,433, C deleted. VCF-style (leftmost placement, unchanged base first): chr9-34490432-AC-A. GRCh37 (hg19) VCF-style: chr9-34490430-AC-A.
Other names: c.578del, p.Thr193fs (NM_001281428.2); short protein forms T189fs, T193fs.
Identifiers: ClinVar variation 5012745 (VCV005012745.1).
Genomic context (GRCh38, chr9:34,490,432, plus strand): 5'-GCTGAAAAAGTGACTGAAGAAGAATTGATGACTCCTAAGCAGCCCAAGGAGAGAAAGCTC[AC>A]TAACCAGTTCAACTTCAGTGAGAGGGCCTCACAGACCTACAACAACCCTGTCCGGGTAGA-3'

ClinVar aggregate classification (germline): Pathogenic (1 of 4 stars; one submission).

Conditions:
Kartagener syndrome (CILD1). Also called: CILIARY DYSKINESIA, PRIMARY, 1; CILIARY DYSKINESIA, PRIMARY, 1, WITH OR WITHOUT SITUS INVERSUS; IMMOTILE CILIA SYNDROME; POLYNESIAN BRONCHIECTASIS; Dextrocardia bronchiectasis and sinusitis; SIEWERT SYNDROME. Identifiers: Orphanet 244, MedGen C4551906, MONDO:0009484, OMIM 244400.

Submission:

Myriad Genetics, Inc.
Classification: Pathogenic for Kartagener syndrome. Last evaluated: 2024-02-15. Review status: criteria provided, single submitter. Criteria: Myriad Autosomal Dominant, Autosomal Recessive and X-Linked Classification Criteria (2023). Collection method: clinical testing. Allele origin: unknown.
Comment: NM_012144.2(DNAI1):c.566delC(T189Ifs*47) is expected to be pathogenic in the context of primary ciliary dyskinesia, DNAI1-related. This variant is predicted to lead to an abnormal or absent protein product due to the creation of a premature termination codon in DNAI1, a gene where loss-of-function variants are known to be pathogenic. Please note: this variant was assessed in the context of healthy population screening.